The following is an entry in ClinVar:

ClinVar aggregate classification (germline): Uncertain significance (1 of 4 stars; one submission).

gnomAD v4.1: 4 of 1,614,088 alleles (0.00025%); highest among the groups gnomAD compares: Non-Finnish European, 0.00034%; no homozygotes.

Submission:

Labcorp Genetics (formerly Invitae), Labcorp
Classification: Uncertain significance. Last evaluated: 2021-10-08. Review status: criteria provided, single submitter. Criteria: Invitae Variant Classification Sherloc (09022015). Collection method: clinical testing. Allele origin: germline.
Comment: This variant is not present in population databases (ExAC no frequency). In summary, the available evidence is currently insufficient to determine the role of this variant in disease. Therefore, it has been classified as a Variant of Uncertain Significance. Algorithms developed to predict the effect of missense changes on protein structure and function are either unavailable or do not agree on the potential impact of this missense change (SIFT: "Deleterious"; PolyPhen-2: "Probably Damaging"; Align-GVGD: "Class C0"). This variant has not been reported in the literature in individuals affected with RINT1-related conditions. This sequence change replaces aspartic acid with asparagine at codon 403 of the RINT1 protein (p.Asp403Asn). The aspartic acid residue is highly conserved and there is a small physicochemical difference between aspartic acid and asparagine.

NM_021930.6(RINT1):c.1207G>A (p.Asp403Asn)

Gene: RINT1 (RAD50 interactor 1; plus strand). Cytogenetic location: 7q22.3.
Variant type: single nucleotide variant.
Coding change: c.1207G>A on transcript NM_021930.6 (MANE Select); coding-DNA position 1207, G replaced by A.
Protein change: p.Asp403Asn; replaces aspartic acid 403 with asparagine.
Molecular consequence: missense variant. On other transcripts: non-coding transcript variant (1).
Genome position (GRCh38, 1-based): chr7:105,550,360, G>A. VCF-style: chr7-105550360-G-A. GRCh37 (hg19) VCF-style: chr7-105190807-G-A.
Other names: c.973G>A, p.Asp325Asn (NM_001346599.2); c.184G>A, p.Asp62Asn (NM_001346600.2, NM_001346603.2); c.283G>A, p.Asp95Asn (NM_001346601.2); short protein forms D403N, D62N, D95N, D325N.
Identifiers: ClinVar variation 1371991 (VCV001371991.6), dbSNP rs1289113738, ClinGen allele CA368809183.